The following is an entry in ClinVar:

ClinVar aggregate classification (germline): Uncertain significance. Review status: criteria provided, multiple submitters, no conflicts (2 of 4 stars). 7 submissions from 7 submitters: Uncertain significance (5). 2 of the submissions do not count toward it. Last evaluated 2026-01-10.

Conditions:
Primary dilated cardiomyopathy (DCM). Also called: Dilated Cardiomyopathy. Identifiers: Orphanet 217604, MedGen C0007193, MeSH D002311, MONDO:0005021, HP:0001644. Inheritance: Various modes of inheritance.
Autosomal recessive limb-girdle muscular dystrophy type 2G (LGMDR7). Also called: Telethoninopathy; Limb-girdle muscular dystrophy, type 2G; MUSCULAR DYSTROPHY, LIMB-GIRDLE, AUTOSOMAL RECESSIVE 7. Identifiers: Orphanet 34514, MedGen C1866008, MONDO:0011170, OMIM 601954.
Cardiovascular phenotype. Identifiers: MedGen CN230736.
Primary familial hypertrophic cardiomyopathy (HCM). Identifiers: Orphanet 99739, MedGen C0949658, MeSH D024741, MONDO:0024573. Inheritance: Various modes of inheritance.
Hypertrophic cardiomyopathy 25 (CMH25). Also called: CARDIOMYOPATHY, FAMILIAL HYPERTROPHIC, 25. Identifiers: MedGen C4225408, MONDO:0011843, OMIM 607487.

Allele frequency attached by ClinVar (database versions not stated): ExAC 0.00005; gnomAD 0.00005 and 0.00006; gnomAD exomes 0.00005; TOPMed 0.00005.
gnomAD v4.1: 79 of 1,607,978 alleles (0.0049%); highest among the groups gnomAD compares: Admixed American, 0.0067%; no homozygotes.

Submissions (7):

Labcorp Genetics (formerly Invitae), Labcorp
Classification: Uncertain significance for Hypertrophic cardiomyopathy 25; Primary familial hypertrophic cardiomyopathy. Last evaluated: 2026-01-10. Review status: criteria provided, single submitter. Criteria: Invitae Variant Classification Sherloc (09022015). Collection method: clinical testing. Allele origin: germline.
Comment: This sequence change replaces arginine, which is basic and polar, with cysteine, which is neutral and slightly polar, at codon 76 of the TCAP protein (p.Arg76Cys). This variant is present in population databases (rs572836774, gnomAD 0.01%). This missense change has been observed in individual(s) with intestinal pseudo-obstruction or limb-girdle muscle weakness (PMID: 18408010, 39678382). ClinVar contains an entry for this variant (Variation ID: 202112). An algorithm developed to predict the effect of missense changes on protein structure and function (PolyPhen-2) suggests that this variant is likely to be disruptive. Experimental studies have shown that this missense change affects TCAP function (PMID: 18408010, 21959314). In summary, the available evidence is currently insufficient to determine the role of this variant in disease. Therefore, it has been classified as a Variant of Uncertain Significance.

Ambry Genetics
Classification: Uncertain significance for Cardiovascular phenotype. Last evaluated: 2025-11-16. Review status: criteria provided, single submitter. Criteria: Ambry Variant Classification Scheme 2023. Collection method: clinical testing. Allele origin: germline.
Comment: The p.R76C variant (also known as c.226C>T), located in coding exon 2 of the TCAP gene, results from a C to T substitution at nucleotide position 226. The arginine at codon 76 is replaced by cysteine, an amino acid with highly dissimilar properties. This variant was reported in one individual with intestinal pseudo-obstruction, and functional studies suggested some impact on sodium channel kinetics; however, cardiac details were not provided, and the clinical impact of experimental findings has not been determined (Mazzone A et al. J. Biol. Chem., 2008 Jun;283:16537-44; Poh YC et al. J. Theor. Biol., 2012 Jan;293:41-8). This amino acid position is not well conserved in available vertebrate species. In addition, the in silico prediction for this alteration is inconclusive. Since supporting evidence is limited at this time, the clinical significance of this alteration remains unclear.

Revvity Omics, Revvity
Classification: Uncertain significance. Last evaluated: 2021-08-31. Review status: criteria provided, single submitter. Criteria: ACMG Guidelines, 2015. Collection method: clinical testing. Allele origin: germline.

CeGaT Center for Human Genetics Tuebingen
Classification: Uncertain significance. Last evaluated: 2019-12-01. Review status: criteria provided, single submitter. Criteria: CeGaT Center For Human Genetics Tuebingen Variant Classification Criteria Version 2. Collection method: clinical testing. Allele origin: germline. Affected: yes. Observed: 1 variant allele.

Eurofins Ntd Llc (ga)
Classification: Uncertain significance. Last evaluated: 2018-03-19. Review status: criteria provided, single submitter. Criteria: EGL ClinVar v180209 classification definitions. Collection method: clinical testing. Allele origin: germline. Observed: 1 variant allele, 1 heterozygote.

Clinical Genetics DNA and cytogenetics Diagnostics Lab, Erasmus MC, Erasmus Medical Center
Classification: Uncertain significance. Review status: no assertion criteria provided. Collection method: clinical testing. Allele origin: germline. Affected: yes. Study: VKGL Data-share Consensus. Not counted in ClinVar's aggregate classification.

Clinical Genetics, Academic Medical Center
Classification: Uncertain significance. Review status: no assertion criteria provided. Collection method: clinical testing. Allele origin: germline. Affected: yes. Study: VKGL Data-share Consensus. Not counted in ClinVar's aggregate classification.

Literature cited by the submitters: PubMed 18408010 (cited by Labcorp Genetics (formerly Invitae), Labcorp and Ambry Genetics); PubMed 39678382 (cited by Labcorp Genetics (formerly Invitae), Labcorp); PubMed 21959314 (cited by Labcorp Genetics (formerly Invitae), Labcorp and Ambry Genetics).

NM_003673.4(TCAP):c.226C>T (p.Arg76Cys)

Gene: TCAP (titin-cap; plus strand). Cytogenetic location: 17q12.
Variant type: single nucleotide variant.
Coding change: c.226C>T on transcript NM_003673.4 (MANE Select); coding-DNA position 226, C replaced by T.
Protein change: p.Arg76Cys; replaces arginine 76 with cysteine.
Molecular consequence: missense variant.
Genome position (GRCh38, 1-based): chr17:39,665,831, C>T. VCF-style: chr17-39665831-C-T. GRCh37 (hg19) VCF-style: chr17-37822084-C-T.
Other names: short protein forms R76C.
Identifiers: ClinVar variation 202112 (VCV000202112.61), dbSNP rs572836774, ClinGen allele CA308846.